The following is an entry in ClinVar:

ClinVar aggregate classification (germline): Uncertain significance (1 of 4 stars; one submission).

Conditions:
Immunodeficiency 104. Also called: Severe Combined Immune Deficiency, Autosomal Recessive, TCell -Negative, B Cell-Positive, NK Cell-Positive, IL7R-Related; Severe combined immunodeficiency, autosomal recessive, T cell-negative, B cell-positive, NK cell-positive; SCID, AUTOSOMAL RECESSIVE, T CELL-NEGATIVE, B CELL-POSITIVE, NK CELL-POSITIVE; IMMUNODEFICIENCY 104, SEVERE COMBINED. Identifiers: MedGen C5676890, MONDO:0012163, OMIM 608971.

Submission:

Labcorp Genetics (formerly Invitae), Labcorp
Classification: Uncertain significance for Immunodeficiency 104. Last evaluated: 2025-11-27. Review status: criteria provided, single submitter. Criteria: Invitae Variant Classification Sherloc (09022015). Collection method: clinical testing. Allele origin: germline.
Comment: This sequence change replaces methionine, which is neutral and non-polar, with threonine, which is neutral and polar, at codon 1140 of the PTPRC protein (p.Met1140Thr). This variant is not present in population databases (gnomAD no frequency). This variant has not been reported in the literature in individuals affected with PTPRC-related conditions. An algorithm developed to predict the effect of missense changes on protein structure and function (PolyPhen-2) suggests that this variant is likely to be disruptive. In summary, the available evidence is currently insufficient to determine the role of this variant in disease. Therefore, it has been classified as a Variant of Uncertain Significance.

NM_002838.5(PTPRC):c.3419T>C (p.Met1140Thr)

Gene: PTPRC (protein tyrosine phosphatase receptor type C; plus strand). Cytogenetic location: 1q32.1.
Variant type: single nucleotide variant.
Coding change: c.3419T>C on transcript NM_002838.5 (MANE Select); coding-DNA position 3419, T replaced by C.
Protein change: p.Met1140Thr; replaces methionine 1140 with threonine.
Molecular consequence: missense variant.
Genome position (GRCh38, 1-based): chr1:198,752,682, T>C. VCF-style: chr1-198752682-T-C. GRCh37 (hg19) VCF-style: chr1-198721811-T-C.
Other names: c.2936T>C, p.Met979Thr (NM_080921.4); short protein forms M1140T, M979T.
Identifiers: ClinVar variation 4700182 (VCV004700182.1).